The following is an entry in ClinVar:

ClinVar aggregate classification (germline): Pathogenic/Likely pathogenic. Review status: criteria provided, multiple submitters, no conflicts (2 of 4 stars). 2 submissions from 2 submitters: Pathogenic (1); Likely pathogenic (1). Last evaluated 2025-01-01.

Conditions:
Nystagmus 6, congenital, X-linked (NYS6). Identifiers: MedGen C3151752, MONDO:0010435, OMIM 300814.
Ocular albinism, type I (OA1). Also called: NETTLESHIP-FALLS TYPE OCULAR ALBINISM; Ocular Albinism type 1; X-linked recessive ocular albinism; Ocular albinism, type I, Nettleship-Falls type. Identifiers: Orphanet 54, MedGen C0342684, MONDO:0021019, OMIM 300500.
GPR143-related disorders.

Submissions (2):

Laboratory of Genetic Epidemiology, Research Centre for Medical Genetics
Classification: Pathogenic for Nystagmus 6, congenital, X-linked; Ocular albinism, type I. Last evaluated: 2025-01-01. Review status: criteria provided, single submitter. Criteria: ACMG Guidelines, 2015. Collection method: clinical testing. Allele origin: unknown. Inheritance: Autosomal recessive inheritance. Affected: yes. Observed: 1 hemizygote.
Comment: The variant leads to affect splicing site (donor loss with score 0.97 and acceptor loss with 0.83 by SpliceAi predictor). This variant has not been previously reported in the literature and is not listed in gnomAD v3.1.2. Taken together, the variant meets the following ACMG/AMP criteria and can be classified as pathogenic with PM2, PVS1, PP5 criteria.

Blueprint Genetics
Classification: Likely pathogenic for GPR143-related disorders. Last evaluated: 2019-11-04. Review status: criteria provided, single submitter. Criteria: ACMG Guidelines, 2015. Collection method: clinical testing. Allele origin: germline. Affected: yes. Observed: 3 variant alleles.

Literature cited by the submitters: PubMed 41428507 (cited by Laboratory of Genetic Epidemiology, Research Centre for Medical Genetics).

NM_000273.3(GPR143):c.360+1G>A

Gene: GPR143 (G protein-coupled receptor 143; minus strand). Cytogenetic location: Xp22.2.
Variant type: single nucleotide variant.
Coding change: c.360+1G>A on transcript NM_000273.3 (MANE Select); the canonical splice donor site of the intron after coding-DNA position 360, G replaced by A.
Molecular consequence: splice donor variant.
Genome position (GRCh38, 1-based): chrX:9,760,716, C>T on the plus strand (G>A on the coding strand, the complement: GPR143 is on the minus strand). VCF-style: chrX-9760716-C-T. GRCh37 (hg19) VCF-style: chrX-9728756-C-T.
Other names: c.360+1G>A (NM_001440781.1).
Identifiers: ClinVar variation 4077133 (VCV004077133.2).
Genomic context (GRCh38, chrX:9,760,716, plus strand): 5'-GCTGCTGCGATTTGAGGAGCATAAGTAGGGAGGAGAGGGCATGCAGAGGGGGTGGACTCA[C>T]CGCACTCCCCACGCAGAAAGCAGCAGGCCAAATTTCCGTGTGGTTCATATCCGAGACGCT-3'